The following is an entry in ClinVar:

ClinVar aggregate classification (germline): Uncertain significance (1 of 4 stars; one submission).

Conditions:
Focal segmental glomerulosclerosis 5 (FSGS5). Identifiers: Orphanet 656, MedGen C2750475, MONDO:0013191, OMIM 613237.
Charcot-Marie-Tooth disease dominant intermediate E. Also called: CHARCOT-MARIE-TOOTH NEUROPATHY WITH FOCAL SEGMENTAL GLOMERULONEPHRITIS. Identifiers: Orphanet 93114, MedGen C4302667, MONDO:0013758, OMIM 614455.

gnomAD v4.1: 3 of 1,604,302 alleles (0.00019%); highest among the groups gnomAD compares: Non-Finnish European, 0.00025%; no homozygotes.

Submission:

Labcorp Genetics (formerly Invitae), Labcorp
Classification: Uncertain significance for Charcot-Marie-Tooth disease dominant intermediate E; Focal segmental glomerulosclerosis 5. Last evaluated: 2022-02-18. Review status: criteria provided, single submitter. Criteria: Invitae Variant Classification Sherloc (09022015). Collection method: clinical testing. Allele origin: germline.
Comment: In summary, the available evidence is currently insufficient to determine the role of this variant in disease. Therefore, it has been classified as a Variant of Uncertain Significance. Algorithms developed to predict the effect of missense changes on protein structure and function are either unavailable or do not agree on the potential impact of this missense change (SIFT: "Tolerated"; PolyPhen-2: "Possibly Damaging"; Align-GVGD: "Class C0"). This variant has not been reported in the literature in individuals affected with INF2-related conditions. This variant is not present in population databases (gnomAD no frequency). This sequence change replaces serine, which is neutral and polar, with phenylalanine, which is neutral and non-polar, at codon 285 of the INF2 protein (p.Ser285Phe).

NM_022489.4(INF2):c.854C>T (p.Ser285Phe)

Gene: INF2 (inverted formin 2; plus strand). Cytogenetic location: 14q32.33.
Variant type: single nucleotide variant.
Coding change: c.854C>T on transcript NM_022489.4 (MANE Select); coding-DNA position 854, C replaced by T.
Protein change: p.Ser285Phe; replaces serine 285 with phenylalanine.
Molecular consequence: missense variant.
Genome position (GRCh38, 1-based): chr14:104,706,920, C>T. VCF-style: chr14-104706920-C-T. GRCh37 (hg19) VCF-style: chr14-105173257-C-T.
Other names: c.854C>T, p.Ser285Phe (NM_001031714.4); short protein forms S285F.
Identifiers: ClinVar variation 1426715 (VCV001426715.8), dbSNP rs2140665449, ClinGen allele CA391215003.
Genomic context (GRCh38, chr14:104,706,920, plus strand): 5'-CACCAGGGAGGGGCCGGCTGCTGACCTGCACCCCACACTCGCCCGTCCAGGTGAGCTGCT[C>T]CCCGGTGTCTGCCCAGCTCCTGTCGGTGCTGCAGGGCCTCCTGCACCTGGAGCCCACCCT-3'
Protein context (NP_071934.3, residues 275-295): FASLFHKVSC[Ser285Phe]PVSAQLLSVL